The following is an entry in ClinVar:

ClinVar aggregate classification (germline): Uncertain significance. Review status: criteria provided, multiple submitters, no conflicts (2 of 4 stars). 3 submissions from 3 submitters: Uncertain significance (3). Last evaluated 2025-12-21.

Conditions:
Cardiovascular phenotype. Identifiers: MedGen CN230736.
Dilated cardiomyopathy 1J (CMD1J). Also called: CARDIOMYOPATHY, DILATED, WITH SENSORINEURAL HEARING LOSS, AUTOSOMAL DOMINANT. Identifiers: Orphanet 217622, MedGen C1854368, MONDO:0011541, OMIM 605362.

Allele frequency attached by ClinVar (database versions not stated): gnomAD exomes 0.00001; TOPMed 0.00001; ExAC 0.00002; gnomAD 0.00002.
gnomAD v4.1: 15 of 1,613,948 alleles (0.00093%); highest among the groups gnomAD compares: Non-Finnish European, 0.0013%; no homozygotes.

Submissions (3):

Labcorp Genetics (formerly Invitae), Labcorp
Classification: Uncertain significance for Dilated cardiomyopathy 1J. Last evaluated: 2025-12-21. Review status: criteria provided, single submitter. Criteria: Invitae Variant Classification Sherloc (09022015). Collection method: clinical testing. Allele origin: germline.
Comment: This sequence change replaces leucine, which is neutral and non-polar, with proline, which is neutral and non-polar, at codon 53 of the EYA4 protein (p.Leu53Pro). This variant is present in population databases (rs753371831, gnomAD 0.006%). This variant has not been reported in the literature in individuals affected with EYA4-related conditions. ClinVar contains an entry for this variant (Variation ID: 853318). An algorithm developed to predict the effect of missense changes on protein structure and function (PolyPhen-2) suggests that this variant is likely to be disruptive. In summary, the available evidence is currently insufficient to determine the role of this variant in disease. Therefore, it has been classified as a Variant of Uncertain Significance.

Ambry Genetics
Classification: Uncertain significance for Cardiovascular phenotype. Last evaluated: 2024-05-30. Review status: criteria provided, single submitter. Criteria: Ambry Variant Classification Scheme 2023. Collection method: clinical testing. Allele origin: germline.
Comment: The p.L53P variant (also known as c.158T>C), located in coding exon 3 of the EYA4 gene, results from a T to C substitution at nucleotide position 158. The leucine at codon 53 is replaced by proline, an amino acid with similar properties. This amino acid position is conserved. In addition, the in silico prediction for this alteration is inconclusive. Based on the available evidence, the clinical significance of this variant remains unclear.

Blueprint Genetics
Classification: Uncertain significance. Last evaluated: 2020-07-23. Review status: criteria provided, single submitter. Criteria: ACMG Guidelines, 2015. Collection method: clinical testing. Allele origin: germline.

NM_004100.5(EYA4):c.158T>C (p.Leu53Pro)

Gene: EYA4 (EYA transcriptional coactivator and phosphatase 4; plus strand). Cytogenetic location: 6q23.2.
Variant type: single nucleotide variant.
Coding change: c.158T>C on transcript NM_004100.5 (MANE Select); coding-DNA position 158, T replaced by C.
Protein change: p.Leu53Pro; replaces leucine 53 with proline.
Molecular consequence: missense variant.
Genome position (GRCh38, 1-based): chr6:133,446,704, T>C. VCF-style: chr6-133446704-T-C. GRCh37 (hg19) VCF-style: chr6-133767842-T-C.
Other names: c.158T>C, p.Leu53Pro (NM_001301012.2, NM_001301013.2, NM_001370458.1 and 3 more transcripts); short protein forms L53P.
Identifiers: ClinVar variation 853318 (VCV000853318.12), dbSNP rs753371831, ClinGen allele CA4007967.
Genomic context (GRCh38, chr6:133,446,704, plus strand): 5'-AGGACCTAGCAAGTCCTCATACTCTTGTTGGAGGTGGTGATACTCCAGGTAGCTCCAAAC[T>C]GGAAAAATCTAATCTCAGCAGCACATCAGTTACTACAAATGGGACAGGAGGTAAGTGTAC-3'
Protein context (NP_004091.3, residues 43-63): GGGDTPGSSK[Leu53Pro]EKSNLSSTSV